The following is an entry in ClinVar:

NM_020699.4(GATAD2B):c.1530+4A>G

Gene: GATAD2B (GATA zinc finger domain containing 2B; minus strand). Cytogenetic location: 1q21.3.
Variant type: single nucleotide variant.
Coding change: c.1530+4A>G on transcript NM_020699.4 (MANE Select); 4 bases into the intron after coding-DNA position 1530, A replaced by G.
Molecular consequence: intron variant.
Genome position (GRCh38, 1-based): chr1:153,812,018, T>C on the plus strand (A>G on the coding strand, the complement: GATAD2B is on the minus strand). VCF-style: chr1-153812018-T-C. GRCh37 (hg19) VCF-style: chr1-153784494-T-C.
Identifiers: ClinVar variation 2132858 (VCV002132858.4), dbSNP rs1464912518, ClinGen allele CA889537872.

ClinVar aggregate classification (germline): Uncertain significance (1 of 4 stars; one submission).

Allele frequency attached by ClinVar (database versions not stated): gnomAD exomes below 0.00001; gnomAD 0.00001; TOPMed 0.00001.
gnomAD v4.1: 3 of 1,568,728 alleles (0.00019%); highest among the groups gnomAD compares: African/African-American, 0.0041%; no homozygotes.

Submission:

Labcorp Genetics (formerly Invitae), Labcorp
Classification: Uncertain significance. Last evaluated: 2023-12-21. Review status: criteria provided, single submitter. Criteria: Invitae Variant Classification Sherloc (09022015). Collection method: clinical testing. Allele origin: germline.
Comment: This sequence change falls in intron 9 of the GATAD2B gene. It does not directly change the encoded amino acid sequence of the GATAD2B protein. It affects a nucleotide within the consensus splice site. This variant is not present in population databases (gnomAD no frequency). This variant has not been reported in the literature in individuals affected with GATAD2B-related conditions. ClinVar contains an entry for this variant (Variation ID: 2132858). Variants that disrupt the consensus splice site are a relatively common cause of aberrant splicing (PMID: 17576681, 9536098). Algorithms developed to predict the effect of sequence changes on RNA splicing suggest that this variant is not likely to affect RNA splicing. In summary, the available evidence is currently insufficient to determine the role of this variant in disease. Therefore, it has been classified as a Variant of Uncertain Significance.

Literature cited by the submitters: PubMed 17576681; PubMed 9536098.